The following is an entry in ClinVar:

ClinVar aggregate classification (germline): Uncertain significance (1 of 4 stars; one submission).

Conditions:
MEGF8-related Carpenter syndrome. Also called: Carpenter syndrome 2. Identifiers: Orphanet 65759, MedGen C3554247, MONDO:0013998, OMIM 614976.

Submission:

Labcorp Genetics (formerly Invitae), Labcorp
Classification: Uncertain significance for MEGF8-related Carpenter syndrome. Last evaluated: 2022-04-01. Review status: criteria provided, single submitter. Criteria: Invitae Variant Classification Sherloc (09022015). Collection method: clinical testing. Allele origin: germline.
Comment: Algorithms developed to predict the effect of missense changes on protein structure and function (SIFT, PolyPhen-2, Align-GVGD) all suggest that this variant is likely to be tolerated. This variant has not been reported in the literature in individuals affected with MEGF8-related conditions. This variant is not present in population databases (gnomAD no frequency). This sequence change replaces glycine, which is neutral and non-polar, with aspartic acid, which is acidic and polar, at codon 820 of the MEGF8 protein (p.Gly820Asp). In summary, the available evidence is currently insufficient to determine the role of this variant in disease. Therefore, it has been classified as a Variant of Uncertain Significance.

NM_001271938.2(MEGF8):c.2660G>A (p.Gly887Asp)

Gene: MEGF8 (multiple EGF like domains 8; plus strand). Cytogenetic location: 19q13.2.
Variant type: single nucleotide variant.
Coding change: c.2660G>A on transcript NM_001271938.2 (MANE Select); coding-DNA position 2660, G replaced by A.
Protein change: p.Gly887Asp; replaces glycine 887 with aspartic acid.
Molecular consequence: missense variant.
Genome position (GRCh38, 1-based): chr19:42,350,308, G>A. VCF-style: chr19-42350308-G-A. GRCh37 (hg19) VCF-style: chr19-42854460-G-A.
Other names: c.2459G>A, p.Gly820Asp (NM_001410.3); short protein forms G820D, G887D.
Identifiers: ClinVar variation 2120387 (VCV002120387.4), dbSNP rs1365622775, ClinGen allele CA406098861.
Genomic context (GRCh38, chr19:42,350,308, plus strand): 5'-TGACCAGTGCCACCTGCCACCTGCGCCAGGGCGGAGCCCATTGCGGGGATGACGGGGCTG[G>A]TGGGTCCCTGCTGGTGCTGGTGCCTACCCTCTGCCCACTCTGCGAGGAGCATCGGGACTG-3'
Protein context (NP_001258867.1, residues 877-897): GGAHCGDDGA[Gly887Asp]GSLLVLVPTL